The following is an entry in ClinVar:

NM_000070.3(CAPN3):c.883_886delinsCTT (p.Asp295fs)

Gene: CAPN3 (calpain 3; plus strand). Cytogenetic location: 15q15.1.
Variant type: Indel.
Coding change: c.883_886delinsCTT on transcript NM_000070.3 (MANE Select); coding-DNA positions 883 to 886, GATA replaced by CTT.
Protein change: p.Asp295fs; shifts the reading frame from aspartic acid 295.
Molecular consequence: frameshift variant. On other transcripts: intron variant (1).
Genome position (GRCh38, 1-based): chr15:42,390,034-42,390,037, GATA replaced by CTT. VCF-style: chr15-42390034-GATA-CTT. GRCh37 (hg19) VCF-style: chr15-42682232-GATA-CTT.
Other names: NM_000070.3(CAPN3):c.883_886delinsCTT; p.Asp295fs; c.883_886delinsCTT, p.Asp295fs (NM_024344.2); c.801+938_801+941delinsCTT (NM_173087.2); short protein forms D295fs.
Identifiers: ClinVar variation 217160 (VCV000217160.19), dbSNP rs863224966, ClinGen allele CA347485.
Genomic context (GRCh38, chr15:42,390,034, plus strand): 5'-GGAACCTCTCCTTCTGGTCTGAACATGGGGGAGTTGATTGCACGGATGGTAAGGAATATG[GATA>CTT]ACTCACTGCTCCAGGACTCAGACCTCGACCCCAGAGGCTCAGATGAAAGACCGACCCGGG-3'

ClinVar aggregate classification (germline): Pathogenic. Review status: reviewed by expert panel (3 of 4 stars). 8 submissions from 8 submitters: Pathogenic (1). 7 of the submissions do not count toward it. Last evaluated 2025-06-03.

Conditions:
Muscular dystrophy, limb-girdle, autosomal dominant 4. Also called: Calpain-3-related limb-girdle muscular dystrophy D4; MUSCULAR DYSTROPHY, LIMB-GIRDLE, TYPE 1I. Identifiers: Orphanet 565909, MedGen C4748295, MONDO:0029133, OMIM 618129.
Autosomal recessive limb-girdle muscular dystrophy type 2A (LGMDR1). Also called: Limb-girdle muscular dystrophy, type 2A; Calpainopathy; LEYDEN-MOEBIUS MUSCULAR DYSTROPHY; MUSCULAR DYSTROPHY, PELVOFEMORAL; Muscular dystrophy, limb-girdle, type 2A, Amish. Identifiers: Orphanet 267, MedGen C1869123, MONDO:0009675, OMIM 253600. Disease mechanism: loss of function.
Autosomal recessive limb-girdle muscular dystrophy. Identifiers: Orphanet 102015, MedGen C2931907, MONDO:0015152.

Submissions (8):

ClinGen Limb Girdle Muscular Dystrophy Variant Curation Expert Panel, ClinGen
Classification: Pathogenic for Autosomal recessive limb-girdle muscular dystrophy. Last evaluated: 2025-06-03. Review status: reviewed by expert panel. Criteria: ClinGen LGMD VCEP ACMG Specifications CAPN3 V1.0.0. Collection method: curation. Allele origin: germline. Inheritance: Autosomal recessive inheritance.
Comment: The NM_000070.3: c.883_886delinsCTT p.(Asp295LeufsTer57) variant in CAPN3 is a frameshift variant predicted to cause a premature stop codon in biologically relevant exon 8/24, leading to nonsense mediated decay in a gene in which loss of function is an established disease mechanism (PVS1). This variant has been reported in at least 4 unrelated patients with clinical signs of LGMD (PMID: 16141003, 15733273, 17994539, 16650086, 15689361, 30919934), including in a homozygous state in one individual without reported familial consanguinity (0.5 pts, PMID: 1614100; PM3_Supporting). This variant has also been reported to co-segregate with autosomal recessive LGMD in 3 affected members of a single family (PMID: 16141003; PP1_Moderate). In addition, at least one of the patients with this variant and a second presumed diagnostic CAPN3 variant had a clinical diagnosis of LGMD and absent calpain-3 protein expression in skeletal muscle, which is highly specific for CAPN3-related LGMD (PP4_Moderate, capped with PP1_Moderate; PMID: 16650086, 15689361). This variant is absent from gnomAD v4.1.0 (PM2_Supporting). In summary, this variant meets the criteria to be classified as Pathogenic for autosomal recessive limb girdle muscular dystrophy based on the ACMG/AMP criteria applied, as specified by the ClinGen LGMD VCEP (LGMD VCEP specifications version 1.0.0; 06/03/2025): PVS1, PM3_Supporting, PP1_Moderate, PP4_Moderate, PM2_Supporting.

Revvity Omics, Revvity
Classification: Pathogenic. Last evaluated: 2025-02-20. Review status: criteria provided, single submitter. Criteria: ACMG Guidelines, 2015. Collection method: clinical testing. Allele origin: germline. Not counted in ClinVar's aggregate classification.

Labcorp Genetics (formerly Invitae), Labcorp
Classification: Pathogenic for Autosomal recessive limb-girdle muscular dystrophy type 2A. Last evaluated: 2025-02-13. Review status: criteria provided, single submitter. Criteria: Invitae Variant Classification Sherloc (09022015). Collection method: clinical testing. Allele origin: germline. Not counted in ClinVar's aggregate classification.
Comment: This sequence change creates a premature translational stop signal (p.Asp295Leufs*57) in the CAPN3 gene. It is expected to result in an absent or disrupted protein product. Loss-of-function variants in CAPN3 are known to be pathogenic (PMID: 10330340, 15689361). This variant is present in population databases (rs764874721, gnomAD 0.0009%). This premature translational stop signal has been observed in individuals with autosomal recessive limb-girdle muscular dystrophy (PMID: 16141003, 16650086, 17994539, 22057634). This variant is also known as c.[883_884GA>CT; 887delA]. For these reasons, this variant has been classified as Pathogenic.

Fulgent Genetics
Classification: Pathogenic for Autosomal recessive limb-girdle muscular dystrophy type 2A; Muscular dystrophy, limb-girdle, autosomal dominant 4. Last evaluated: 2024-01-29. Review status: criteria provided, single submitter. Criteria: ACMG Guidelines, 2015. Collection method: clinical testing. Allele origin: germline. Not counted in ClinVar's aggregate classification.

GeneDx
Classification: Likely pathogenic. Last evaluated: 2023-07-20. Review status: criteria provided, single submitter. Criteria: GeneDx Variant Classification Process June 2021. Collection method: clinical testing. Allele origin: germline. Affected: yes. Not counted in ClinVar's aggregate classification.
Comment: The c.883_886delGATAinsCTT variant has been previously reported in multiple individuals with suspected LGMD who had absent calpain-3 protein on western blot analysis (Todorova et al., 2005; Krahn et al., 2006; Guglieri et al., 2008); Frameshift variant predicted to result in protein truncation or nonsense mediated decay in a gene for which loss-of-function is a known mechanism of disease; Not observed at significant frequency in large population cohorts (gnomAD); This variant is associated with the following publications: (PMID: 15733273, 16141003, 17994539, 30028523, 30919934, 16650086, 15689361, 26404900, 31788660)

Baylor Genetics
Classification: Pathogenic for Muscular dystrophy, limb-girdle, autosomal dominant 4. Last evaluated: 2022-06-22. Review status: criteria provided, single submitter. Criteria: ACMG Guidelines, 2015. Collection method: clinical testing. Allele origin: unknown. Not counted in ClinVar's aggregate classification.

Eurofins Ntd Llc (ga)
Classification: Pathogenic. Last evaluated: 2018-04-25. Review status: criteria provided, single submitter. Criteria: EGL ClinVar v180209 classification definitions. Collection method: clinical testing. Allele origin: germline. Observed: 8 variant alleles, 8 heterozygotes. Not counted in ClinVar's aggregate classification.

Athena Diagnostics
Classification: Pathogenic for Limb-girdle muscular dystrophy, type 2A. Last evaluated: 2012-08-22. Review status: criteria provided, single submitter. Criteria: Athena Diagnostics Criteria. Collection method: clinical testing. Allele origin: germline. Inheritance: Autosomal recessive inheritance. Not counted in ClinVar's aggregate classification.

Literature cited by the submitters: PubMed 10330340 (cited by Labcorp Genetics (formerly Invitae), Labcorp); PubMed 15689361 (cited by Labcorp Genetics (formerly Invitae), Labcorp); PubMed 16141003 (cited by 3 submitters); PubMed 16650086 (cited by Labcorp Genetics (formerly Invitae), Labcorp and Athena Diagnostics); PubMed 17994539 (cited by Labcorp Genetics (formerly Invitae), Labcorp and Athena Diagnostics); PubMed 22057634 (cited by Labcorp Genetics (formerly Invitae), Labcorp); PubMed 15733273 (cited by Eurofins Ntd Llc (ga) and Athena Diagnostics).